The following is an entry in ClinVar:

NM_032608.7(MYO18B):c.1936G>A (p.Ala646Thr)

Gene: MYO18B (myosin XVIIIB; plus strand). Cytogenetic location: 22q12.1.
Variant type: single nucleotide variant.
Coding change: c.1936G>A on transcript NM_032608.7 (MANE Select); coding-DNA position 1936, G replaced by A.
Protein change: p.Ala646Thr; replaces alanine 646 with threonine.
Molecular consequence: missense variant.
Genome position (GRCh38, 1-based): chr22:25,777,649, G>A. VCF-style: chr22-25777649-G-A. GRCh37 (hg19) VCF-style: chr22-26173616-G-A.
Other names: c.1936G>A, p.Ala646Thr (NM_001318245.2); short protein forms A646T.
Identifiers: ClinVar variation 1489075 (VCV001489075.6), dbSNP rs2145639011, ClinGen allele CA410992753.

ClinVar aggregate classification (germline): Uncertain significance (1 of 4 stars; one submission).

Submission:

Labcorp Genetics (formerly Invitae), Labcorp
Classification: Uncertain significance. Last evaluated: 2022-11-15. Review status: criteria provided, single submitter. Criteria: Invitae Variant Classification Sherloc (09022015). Collection method: clinical testing. Allele origin: germline.
Comment: Algorithms developed to predict the effect of missense changes on protein structure and function are either unavailable or do not agree on the potential impact of this missense change (SIFT: "Not Available"; PolyPhen-2: "Benign"; Align-GVGD: "Not Available"). ClinVar contains an entry for this variant (Variation ID: 1489075). This variant has not been reported in the literature in individuals affected with MYO18B-related conditions. This variant is not present in population databases (gnomAD no frequency). This sequence change replaces alanine with threonine at codon 646 of the MYO18B protein (p.Ala646Thr). The alanine residue is weakly conserved and there is a small physicochemical difference between alanine and threonine. In summary, the available evidence is currently insufficient to determine the role of this variant in disease. Therefore, it has been classified as a Variant of Uncertain Significance.